The following is an entry in ClinVar:

ClinVar aggregate classification (germline): Likely pathogenic (1 of 4 stars; one submission).

Conditions:
Charcot-Marie-Tooth disease type 4A. Also called: Charcot-Marie-Tooth disease, demyelinating, autosomal recessive, type 4a. Identifiers: Orphanet 99948, MedGen C1859198, MONDO:0008961, OMIM 214400.

Submission:

Labcorp Genetics (formerly Invitae), Labcorp
Classification: Likely pathogenic for Charcot-Marie-Tooth disease type 4A. Last evaluated: 2022-06-17. Review status: criteria provided, single submitter. Criteria: Invitae Variant Classification Sherloc (09022015). Collection method: clinical testing. Allele origin: germline.
Comment: In summary, the currently available evidence indicates that the variant is pathogenic, but additional data are needed to prove that conclusively. Therefore, this variant has been classified as Likely Pathogenic. This variant disrupts the p.Arg120 amino acid residue in GDAP1. Other variant(s) that disrupt this residue have been determined to be pathogenic (PMID: 12601710, 14561495, 15805163, 21199105, 21753178, 22971097). This suggests that this residue is clinically significant, and that variants that disrupt this residue are likely to be disease-causing. Advanced modeling of protein sequence and biophysical properties (such as structural, functional, and spatial information, amino acid conservation, physicochemical variation, residue mobility, and thermodynamic stability) performed at Invitae indicates that this missense variant is expected to disrupt GDAP1 protein function. ClinVar contains an entry for this variant (Variation ID: 662601). This variant has not been reported in the literature in individuals affected with GDAP1-related conditions. This variant is not present in population databases (gnomAD no frequency). This sequence change replaces arginine, which is basic and polar, with leucine, which is neutral and non-polar, at codon 120 of the GDAP1 protein (p.Arg120Leu).

Literature cited by the submitters: PubMed 12601710; PubMed 14561495; PubMed 15805163; PubMed 21199105; PubMed 21753178; PubMed 22971097.

NM_018972.4(GDAP1):c.359G>T (p.Arg120Leu)

Gene: GDAP1 (ganglioside induced differentiation associated protein 1; plus strand). Cytogenetic location: 8q21.11.
Variant type: single nucleotide variant.
Coding change: c.359G>T on transcript NM_018972.4 (MANE Select); coding-DNA position 359, G replaced by T.
Protein change: p.Arg120Leu; replaces arginine 120 with leucine.
Molecular consequence: missense variant. On other transcripts: intron variant (1).
Genome position (GRCh38, 1-based): chr8:74,360,185, G>T. VCF-style: chr8-74360185-G-T. GRCh37 (hg19) VCF-style: chr8-75272420-G-T.
Other names: c.155G>T, p.Arg52Leu (NM_001040875.4); c.32G>T, p.Arg11Leu (NM_001362929.2, NM_001362932.2); c.359G>T, p.Arg120Leu (NM_001362931.2); c.311-1699G>T (NM_001362930.2); short protein forms R11L, R120L, R52L.
Identifiers: ClinVar variation 662601 (VCV000662601.10), dbSNP rs1174933176, ClinGen allele CA371548482.